The following is an entry in ClinVar:

ClinVar aggregate classification (germline): Uncertain significance (1 of 4 stars; one submission).

Conditions:
Hereditary cancer-predisposing syndrome. Also called: Tumor predisposition; Hereditary Cancer Syndrome; Neoplastic Syndromes, Hereditary; Hereditary neoplastic syndrome. Identifiers: Orphanet 140162, MedGen C0027672, MeSH D009386, MONDO:0015356.

Submission:

Ambry Genetics
Classification: Uncertain significance for Hereditary cancer-predisposing syndrome. Last evaluated: 2021-12-30. Review status: criteria provided, single submitter. Criteria: Ambry Variant Classification Scheme 2023. Collection method: clinical testing. Allele origin: germline.
Comment: The p.Q887P variant (also known as c.2660A>C), located in coding exon 17 of the CTNNA1 gene, results from an A to C substitution at nucleotide position 2660. The glutamine at codon 887 is replaced by proline, an amino acid with similar properties. This amino acid position is conserved. In addition, the in silico prediction for this alteration is inconclusive. Since supporting evidence is limited at this time, the clinical significance of this alteration remains unclear.

NM_001903.5(CTNNA1):c.2660A>C (p.Gln887Pro)

Gene: CTNNA1 (catenin alpha 1; plus strand). Cytogenetic location: 5q31.2.
Variant type: single nucleotide variant.
Coding change: c.2660A>C on transcript NM_001903.5 (MANE Select); coding-DNA position 2660, A replaced by C.
Protein change: p.Gln887Pro; replaces glutamine 887 with proline.
Molecular consequence: missense variant. On other transcripts: 3 prime UTR variant (5).
Genome position (GRCh38, 1-based): chr5:138,934,028, A>C. VCF-style: chr5-138934028-A-C. GRCh37 (hg19) VCF-style: chr5-138269717-A-C.
Other names: c.*205A>C (NM_001290307.3, NM_001324002.1, NM_001324003.1 and 2 more transcripts); c.2351A>C, p.Gln784Pro (NM_001290309.3); c.2291A>C, p.Gln764Pro (NM_001290310.3); c.1550A>C, p.Gln517Pro (NM_001290312.1, NM_001323987.1, NM_001323988.1 and 12 more transcripts); c.2660A>C, p.Gln887Pro (NM_001323982.2, NM_001323983.1, NM_001323984.2); c.2633A>C, p.Gln878Pro (NM_001323985.2); c.2567A>C, p.Gln856Pro (NM_001323986.2); c.1415A>C, p.Gln472Pro (NM_001324001.1); and 3 more; short protein forms Q472P, Q517P, Q764P, Q404P, Q436P, Q856P, Q878P, Q784P.
Identifiers: ClinVar variation 1794441 (VCV001794441.2), dbSNP rs2533956733, ClinGen allele CA361135710.